The following is an entry in ClinVar:

NM_000182.5(HADHA):c.862G>T (p.Glu288Ter)

Gene: HADHA (hydroxyacyl-CoA dehydrogenase trifunctional multienzyme complex subunit alpha; minus strand). Cytogenetic location: 2p23.3.
Variant type: single nucleotide variant.
Coding change: c.862G>T on transcript NM_000182.5 (MANE Select); coding-DNA position 862, G replaced by T.
Protein change: p.Glu288Ter; replaces glutamic acid 288 with a stop codon.
Molecular consequence: nonsense.
Genome position (GRCh38, 1-based): chr2:26,214,499, C>A on the plus strand (G>T on the coding strand, the complement: HADHA is on the minus strand). VCF-style: chr2-26214499-C-A. GRCh37 (hg19) VCF-style: chr2-26437368-C-A.
Other names: short protein forms E288*.
Identifiers: ClinVar variation 983586 (VCV000983586.4), dbSNP rs1670172561, ClinGen allele CA346091290.
Genomic context (GRCh38, chr2:26,214,499, plus strand): 5'-TCACATCAATTATTTTCAGAGGTGCAGGATAAAGGCCTTTAGTCTGCTTTCGCACTTTTT[C>A]TTCCACTTTTTTGTAAACCTGTTGCCTGACAAATGGAATAGTCATGGCATACGCTGTCAA-3'

ClinVar aggregate classification (germline): Likely pathogenic (1 of 4 stars; one submission).

Conditions:
Long chain 3-hydroxyacyl-CoA dehydrogenase deficiency. Also called: LCHAD Deficiency; Deficiency of long-chain 3-hydroxyacyl-coenzyme A dehydrogenase. Identifiers: Orphanet 5, MedGen C3711645, MONDO:0012173, OMIM 609016.

Submission:

Myriad Genetics, Inc.
Classification: Likely pathogenic for Long chain 3-hydroxyacyl-CoA dehydrogenase deficiency. Last evaluated: 2019-04-28. Review status: criteria provided, single submitter. Criteria: Myriad Autosomal Dominant, Autosomal Recessive and X-Linked Classification Criteria (2023). Collection method: clinical testing. Allele origin: unknown.
Comment: NM_000182.4(HADHA):c.862G>T(E288*) is expected to be pathogenic in the context of HADHA-related disorders. This variant is predicted to lead to an abnormal or absent protein product due to the creation of a premature termination codon in HADHA, a gene where loss-of-function variants are known to be pathogenic. Please note: this variant was assessed in the context of healthy population screening.